The following is an entry in ClinVar:

ClinVar aggregate classification (germline): Uncertain significance (1 of 4 stars; one submission).

Submission:

CeGaT Center for Human Genetics Tuebingen
Classification: Uncertain significance. Last evaluated: 2024-09-01. Review status: criteria provided, single submitter. Criteria: CeGaT Center For Human Genetics Tuebingen Variant Classification Criteria Version 2. Collection method: clinical testing. Allele origin: germline. Affected: yes. Observed: 1 variant allele.
Comment: SCN2A: PM2

NM_001040142.2(SCN2A):c.3137A>C (p.Asn1046Thr)

Gene: SCN2A (sodium voltage-gated channel alpha subunit 2; plus strand). Cytogenetic location: 2q24.3.
Variant type: single nucleotide variant.
Coding change: c.3137A>C on transcript NM_001040142.2 (MANE Select); coding-DNA position 3137, A replaced by C.
Protein change: p.Asn1046Thr; replaces asparagine 1046 with threonine.
Molecular consequence: missense variant.
Genome position (GRCh38, 1-based): chr2:165,354,409, A>C. VCF-style: chr2-165354409-A-C. GRCh37 (hg19) VCF-style: chr2-166210919-A-C.
Other names: c.3137A>C, p.Asn1046Thr (NM_001040143.2, NM_001371246.1, NM_001371247.1 and 1 more transcripts); short protein forms N1046T.
Identifiers: ClinVar variation 3389801 (VCV003389801.14).